The following is an entry in ClinVar:

ClinVar aggregate classification (germline): Benign. Review status: criteria provided, single submitter (1 of 4 stars). 2 submissions from 2 submitters: Benign (1). 1 of the submissions does not count toward it. Last evaluated 2019-12-31.

Conditions:
HIRA-related disorder.

Allele frequency attached by ClinVar (database versions not stated): gnomAD exomes 0.00146; ExAC 0.00186; gnomAD 0.00516 and 0.00567; 1000 Genomes Project 0.00539; 1000 Genomes Project 30x 0.00562; TOPMed 0.00591; ESP Exome Variant Server 0.00730.
gnomAD v4.1: 1,597 of 1,614,006 alleles (0.099%); highest among the groups gnomAD compares: African/African-American, 2%; 20 homozygotes.

Submissions (2):

Labcorp Genetics (formerly Invitae), Labcorp
Classification: Benign. Last evaluated: 2019-12-31. Review status: criteria provided, single submitter. Criteria: Invitae Variant Classification Sherloc (09022015). Collection method: clinical testing. Allele origin: germline.

PreventionGenetics, part of Exact Sciences
Classification: Benign for HIRA-related condition. Last evaluated: 2019-05-27. Review status: no assertion criteria provided. Collection method: clinical testing. Allele origin: germline. Not counted in ClinVar's aggregate classification.
Comment: This variant is classified as benign based on ACMG/AMP sequence variant interpretation guidelines (Richards et al. 2015 PMID: 25741868, with internal and published modifications).

NM_003325.4(HIRA):c.1392C>T (p.Leu464=)

Gene: HIRA (histone cell cycle regulator; minus strand). Cytogenetic location: 22q11.21.
Variant type: single nucleotide variant.
Coding change: c.1392C>T on transcript NM_003325.4 (MANE Select); coding-DNA position 1392, C replaced by T.
Protein change: p.Leu464=; no amino-acid change (leucine 464 retained).
Molecular consequence: synonymous variant.
Genome position (GRCh38, 1-based): chr22:19,383,643, G>A on the plus strand (C>T on the coding strand, the complement: HIRA is on the minus strand). VCF-style: chr22-19383643-G-A. GRCh37 (hg19) VCF-style: chr22-19371166-G-A.
Identifiers: ClinVar variation 777663 (VCV000777663.6), dbSNP rs20550, ClinGen allele CA10099710.
Genomic context (GRCh38, chr22:19,383,643, plus strand): 5'-CGCCAGATAAGACCATGAAAGGGGAATGAACCAGTACCCAGTGTCCAGCTGTGCTATGCA[G>A]AGAGGCGTGATTCTTCTCCGGCCATCTGCTGTCCGAGTCTCAACTTGTTTCTTCAAAAGA-3'
Protein context (NP_003316.3, residues 454-474): TADGRRRITP[Leu464=]CIAQLDTGDF